The following is an entry in ClinVar:

ClinVar aggregate classification (germline): Likely benign. Review status: criteria provided, single submitter (1 of 4 stars). 2 submissions from 2 submitters: Likely benign (1). 1 of the submissions does not count toward it. Last evaluated 2024-11-26.

Conditions:
FAM136A-related disorder. Also called: FAM136A-related condition.

Submissions (2):

Blueprint Genetics
Classification: Likely benign. Last evaluated: 2024-11-26. Review status: criteria provided, single submitter. Criteria: ACMG Guidelines, 2015. Collection method: clinical testing. Allele origin: germline.

PreventionGenetics, part of Exact Sciences
Classification: Benign for FAM136A-related condition. Last evaluated: 2020-03-17. Review status: no assertion criteria provided. Collection method: clinical testing. Allele origin: germline. Not counted in ClinVar's aggregate classification.
Comment: This variant is classified as benign based on ACMG/AMP sequence variant interpretation guidelines (Richards et al. 2015 PMID: 25741868, with internal and published modifications).

NM_001329752.2(TIMCC):c.583G>C (p.Asp195His)

Gene: TIMCC (TIM double twin CX3C motif chaperone; minus strand). Cytogenetic location: 2p13.3.
Variant type: single nucleotide variant.
Coding change: c.583G>C on transcript NM_001329752.2 (MANE Select); coding-DNA position 583, G replaced by C.
Protein change: p.Asp195His; replaces aspartic acid 195 with histidine.
Molecular consequence: missense variant.
Genome position (GRCh38, 1-based): chr2:70,297,444, C>G on the plus strand (G>C on the coding strand, the complement: TIMCC is on the minus strand). VCF-style: chr2-70297444-C-G. GRCh37 (hg19) VCF-style: chr2-70524576-C-G.
Other names: c.517G>C, p.Asp173His (NM_001329753.2); c.169G>C, p.Asp57His (NM_001329755.2, NM_001329757.2, NM_001329758.2); c.262G>C, p.Asp88His (NM_032822.3); short protein forms D173H, D195H, D57H, D88H.
Identifiers: ClinVar variation 3055771 (VCV003055771.3), dbSNP rs75086964, ClinGen allele CA1698444.